The following is an entry in ClinVar:

ClinVar aggregate classification (germline): Pathogenic/Likely pathogenic. Review status: criteria provided, multiple submitters, no conflicts (2 of 4 stars). 3 submissions from 3 submitters: Pathogenic (1); Likely pathogenic (2). Last evaluated 2025-03-07.

Conditions:
Nemaline myopathy. Also called: Myopathies, Nemaline. Identifiers: Orphanet 607, MedGen C0206157, MONDO:0018958.
Nemaline myopathy 2 (NEM2). Also called: Nemaline myopathy 2, autosomal recessive. Identifiers: MedGen C1850569, MONDO:0009725, OMIM 256030.
Arthrogryposis multiplex congenita 6. Identifiers: MedGen C5543431, MONDO:0030281, OMIM 619334.

Submissions (3):

Broad Center for Mendelian Genomics, Broad Institute of MIT and Harvard
Classification: Likely pathogenic for Nemaline myopathy. Last evaluated: 2025-03-07. Review status: criteria provided, single submitter. Criteria: ACMG Guidelines, 2015. Collection method: curation. Allele origin: germline. Inheritance: Autosomal recessive inheritance.
Comment: The p.Ser6654AlafsTer27 variant in NEB has not been previously reported in the literature in individuals with nemaline myopathy, but has been identified in 0.00009% (1/1163954) of European (non-Finnish) chromosomes by the Genome Aggregation Database (gnomAD). Although this variant has been seen in the general population in a heterozygous state, its frequency is low enough to be consistent with a recessive carrier frequency. This variant has also been reported in ClinVar (Variation ID: 1928102 ) and has been interpreted as pathogenic by Invitae. This variant is predicted to cause a frameshift, which alters the protein‚Äôs amino acid sequence beginning at position 6654 and leads to a premature termination codon 27 amino acids downstream. This alteration is then predicted to lead to a truncated or absent protein. Loss of function of the NEB gene is an established disease mechanism in autosomal recessive nemaline myopathy. In summary, although additional studies are required to fully establish its clinical significance, this variant is likely pathogenic for autosomal recessive nemaline myopathy. ACMG/AMP Criteria applied: PVS1, PM2_supporting (Richards 2015).

Fulgent Genetics
Classification: Likely pathogenic for Nemaline myopathy 2; Arthrogryposis multiplex congenita 6. Last evaluated: 2024-05-23. Review status: criteria provided, single submitter. Criteria: ACMG Guidelines, 2015. Collection method: clinical testing. Allele origin: germline.

Labcorp Genetics (formerly Invitae), Labcorp
Classification: Pathogenic for Nemaline myopathy 2. Last evaluated: 2022-02-10. Review status: criteria provided, single submitter. Criteria: Invitae Variant Classification Sherloc (09022015). Collection method: clinical testing. Allele origin: germline.
Comment: This sequence change creates a premature translational stop signal (p.Ser6654Alafs*27) in the NEB gene. It is expected to result in an absent or disrupted protein product. Loss-of-function variants in NEB are known to be pathogenic (PMID: 25205138). For these reasons, this variant has been classified as Pathogenic. This variant has not been reported in the literature in individuals affected with NEB-related conditions. This variant is not present in population databases (gnomAD no frequency).

Literature cited by the submitters: PubMed 25205138 (cited by Labcorp Genetics (formerly Invitae), Labcorp).

NM_001164508.2(NEB):c.19959del (p.Ser6654fs)

Gene: NEB (nebulin; minus strand). Cytogenetic location: 2q23.3.
Variant type: Deletion.
Coding change: c.19959del on transcript NM_001164508.2 (MANE Select); coding-DNA position 19959, one base deleted (C; older notation c.19959delC).
Protein change: p.Ser6654fs; shifts the reading frame from serine 6654.
Molecular consequence: frameshift variant.
Genome position (GRCh38, 1-based): chr2:151,549,726, G deleted on the plus strand (C on the coding strand, the reverse complement: NEB is on the minus strand); the first of 2 consecutive G bases (chr2:151,549,726-151,549,727); deleting either gives the same sequence. VCF-style (leftmost placement, unchanged base first): chr2-151549725-TG-T. GRCh37 (hg19) VCF-style: chr2-152406239-TG-T.
Other names: NM_001164508.2(NEB):c.19959del; p.Ser6654fs; c.19959del, p.Ser6654fs (NM_001164507.2, NM_001271208.2); c.14856del, p.Ser4953fs (NM_004543.5); short protein forms S6654fs, S4953fs.
Identifiers: ClinVar variation 1928102 (VCV001928102.7), dbSNP rs2552182258, ClinGen allele CA2580063915.